The following is an entry in ClinVar:

ClinVar aggregate classification (germline): Uncertain significance. Review status: criteria provided, multiple submitters, no conflicts (2 of 4 stars). 2 submissions from 2 submitters: Uncertain significance (2). Last evaluated 2025-08-01.

Allele frequency attached by ClinVar (database versions not stated): gnomAD exomes below 0.00001; TOPMed 0.00001; gnomAD 0.00001.
gnomAD v4.1: 4 of 1,601,910 alleles (0.00025%); highest among the groups gnomAD compares: East Asian, 0.0089%; no homozygotes.

Submissions (2):

Labcorp Genetics (formerly Invitae), Labcorp
Classification: Uncertain significance. Last evaluated: 2025-08-01. Review status: criteria provided, single submitter. Criteria: Invitae Variant Classification Sherloc (09022015). Collection method: clinical testing. Allele origin: germline.
Comment: This sequence change replaces glutamine, which is neutral and polar, with lysine, which is basic and polar, at codon 565 of the ADGRE2 protein (p.Gln565Lys). This variant is present in population databases (no rsID available, gnomAD 0.006%). This variant has not been reported in the literature in individuals affected with ADGRE2-related conditions. ClinVar contains an entry for this variant (Variation ID: 2621255). An algorithm developed to predict the effect of missense changes on protein structure and function (PolyPhen-2) suggests that this variant is likely to be disruptive. In summary, the available evidence is currently insufficient to determine the role of this variant in disease. Therefore, it has been classified as a Variant of Uncertain Significance.

Ambry Genetics
Classification: Uncertain significance. Last evaluated: 2023-08-22. Review status: criteria provided, single submitter. Criteria: Ambry Variant Classification Scheme 2023. Collection method: clinical testing. Allele origin: germline.

NM_013447.4(ADGRE2):c.1693C>A (p.Gln565Lys)

Gene: ADGRE2 (adhesion G protein-coupled receptor E2; minus strand). Cytogenetic location: 19p13.12.
Variant type: single nucleotide variant.
Coding change: c.1693C>A on transcript NM_013447.4 (MANE Select); coding-DNA position 1693, C replaced by A.
Protein change: p.Gln565Lys; replaces glutamine 565 with lysine.
Molecular consequence: missense variant.
Genome position (GRCh38, 1-based): chr19:14,752,424, G>T on the plus strand (C>A on the coding strand, the complement: ADGRE2 is on the minus strand). VCF-style: chr19-14752424-G-T. GRCh37 (hg19) VCF-style: chr19-14863236-G-T.
Other names: c.1519C>A, p.Gln507Lys (NM_001271052.1); c.1546C>A, p.Gln516Lys (NM_152916.2); c.1414C>A, p.Gln472Lys (NM_152917.2); short protein forms Q516K, Q565K, Q472K, Q507K.
Identifiers: ClinVar variation 2621255 (VCV002621255.3), dbSNP rs1167741751, ClinGen allele CA404453390.